The following is an entry in ClinVar:

ClinVar aggregate classification (germline): Uncertain significance (1 of 4 stars; one submission).

Submission:

Labcorp Genetics (formerly Invitae), Labcorp
Classification: Uncertain significance. Last evaluated: 2024-05-18. Review status: criteria provided, single submitter. Criteria: Invitae Variant Classification Sherloc (09022015). Collection method: clinical testing. Allele origin: germline.
Comment: This sequence change replaces glutamic acid, which is acidic and polar, with glutamine, which is neutral and polar, at codon 211 of the LZTR1 protein (p.Glu211Gln). This variant is not present in population databases (gnomAD no frequency). This variant has not been reported in the literature in individuals affected with LZTR1-related conditions. Advanced modeling of protein sequence and biophysical properties (such as structural, functional, and spatial information, amino acid conservation, physicochemical variation, residue mobility, and thermodynamic stability) performed at Invitae indicates that this missense variant is not expected to disrupt LZTR1 protein function with a negative predictive value of 80%. In summary, the available evidence is currently insufficient to determine the role of this variant in disease. Therefore, it has been classified as a Variant of Uncertain Significance.

NM_006767.4(LZTR1):c.631G>C (p.Glu211Gln)

Gene: LZTR1 (leucine zipper like post translational regulator 1; plus strand). Cytogenetic location: 22q11.21.
Variant type: single nucleotide variant.
Coding change: c.631G>C on transcript NM_006767.4 (MANE Select); coding-DNA position 631, G replaced by C.
Protein change: p.Glu211Gln; replaces glutamic acid 211 with glutamine.
Molecular consequence: missense variant.
Genome position (GRCh38, 1-based): chr22:20,989,662, G>C. VCF-style: chr22-20989662-G-C. GRCh37 (hg19) VCF-style: chr22-21343951-G-C.
Other names: short protein forms E211Q.
Identifiers: ClinVar variation 2778391 (VCV002778391.3), dbSNP rs2518614929, ClinGen allele CA410780350.